The following is an entry in ClinVar:

ClinVar aggregate classification (germline): Likely pathogenic (1 of 4 stars; one submission).

Conditions:
Developmental and epileptic encephalopathy, 32 (DEE32). Also called: Epileptic encephalopathy, early infantile, 32. Identifiers: Orphanet 442835, MedGen C4225350, MONDO:0014607, OMIM 616366.

Submission:

3billion
Classification: Likely pathogenic for Developmental and epileptic encephalopathy, 32. Last evaluated: 2021-10-02. Review status: criteria provided, single submitter. Criteria: ACMG Guidelines, 2015. Collection method: clinical testing. Allele origin: unknown. Affected: yes. Observed: 1 heterozygote.
Comment: Stop-gained (nonsense): predicted to result in a loss or disruption of normal protein function through nonsense-mediated decay (NMD) or protein truncation. Multiple pathogenic variants are reported downstream of the variant (PVS1_VS). It is not observed in the gnomAD v2.1.1 dataset (PM2). Therefore, this variant is classified as likely pathogenic according to the recommendation of ACMG/AMP guideline.

NM_004974.4(KCNA2):c.196del (p.Arg65_Met66insTer)

Gene: KCNA2 (potassium voltage-gated channel subfamily A member 2; minus strand). Cytogenetic location: 1p13.3.
Variant type: Deletion.
Coding change: c.196del on transcript NM_004974.4 (MANE Select); coding-DNA position 196, one base deleted (A; older notation c.196delA).
Protein change: p.Arg65_Met66insTer.
Molecular consequence: nonsense.
Genome position (GRCh38, 1-based): chr1:110,604,587, T deleted on the plus strand (A on the coding strand, the reverse complement: KCNA2 is on the minus strand); the first of 2 consecutive T bases (chr1:110,604,587-110,604,588); deleting either gives the same sequence. VCF-style (leftmost placement, unchanged base first): chr1-110604586-AT-A. GRCh37 (hg19) VCF-style: chr1-111147208-AT-A.
Other names: c.196del, p.Arg65_Met66insTer (NM_001204269.2).
Identifiers: ClinVar variation 1320185 (VCV001320185.1), dbSNP rs2101403658, ClinGen allele CA2573051336.